The following is an entry in ClinVar:

ClinVar aggregate classification (germline): Uncertain significance (1 of 4 stars; one submission).

Submission:

Labcorp Genetics (formerly Invitae), Labcorp
Classification: Uncertain significance. Last evaluated: 2021-11-25. Review status: criteria provided, single submitter. Criteria: Invitae Variant Classification Sherloc (09022015). Collection method: clinical testing. Allele origin: germline.
Comment: In summary, the available evidence is currently insufficient to determine the role of this variant in disease. Therefore, it has been classified as a Variant of Uncertain Significance. Algorithms developed to predict the effect of missense changes on protein structure and function are either unavailable or do not agree on the potential impact of this missense change (SIFT: "Tolerated"; PolyPhen-2: "Possibly Damaging"; Align-GVGD: "Class C0"). This variant has not been reported in the literature in individuals affected with TUBGCP4-related conditions. This variant is not present in population databases (gnomAD no frequency). This sequence change replaces arginine, which is basic and polar, with threonine, which is neutral and polar, at codon 271 of the TUBGCP4 protein (p.Arg271Thr).

NM_014444.5(TUBGCP4):c.812G>C (p.Arg271Thr)

Gene: TUBGCP4 (tubulin gamma complex component 4; plus strand). Cytogenetic location: 15q15.3.
Variant type: single nucleotide variant.
Coding change: c.812G>C on transcript NM_014444.5 (MANE Select); coding-DNA position 812, G replaced by C.
Protein change: p.Arg271Thr; replaces arginine 271 with threonine.
Molecular consequence: missense variant.
Genome position (GRCh38, 1-based): chr15:43,385,879, G>C. VCF-style: chr15-43385879-G-C. GRCh37 (hg19) VCF-style: chr15-43678077-G-C.
Other names: c.812G>C, p.Arg271Thr (NM_001286414.3); short protein forms R271T.
Identifiers: ClinVar variation 1360144 (VCV001360144.6), dbSNP rs1002938736, ClinGen allele CA269991640.
Genomic context (GRCh38, chr15:43,385,879, plus strand): 5'-CACCATCTCTGAAGCAGTTTTCCCTACGAGTGGAGATTTTGCCATCCTACATTCCAGTGA[G>C]GGTTGCTGAAAAAATCCTATTTGTTGGAGAATCTGTCCAGATGTTTGAGAATCAAAATGT-3'
Protein context (NP_055259.2, residues 261-281): VEILPSYIPV[Arg271Thr]VAEKILFVGE